The following is an entry in ClinVar:

NM_001376.5(DYNC1H1):c.13709G>A (p.Cys4570Tyr)

Gene: DYNC1H1 (dynein cytoplasmic 1 heavy chain 1; plus strand). Cytogenetic location: 14q32.31.
Variant type: single nucleotide variant.
Coding change: c.13709G>A on transcript NM_001376.5 (MANE Select); coding-DNA position 13709, G replaced by A.
Protein change: p.Cys4570Tyr; replaces cysteine 4570 with tyrosine.
Molecular consequence: missense variant.
Genome position (GRCh38, 1-based): chr14:102,050,095, G>A. VCF-style: chr14-102050095-G-A. GRCh37 (hg19) VCF-style: chr14-102516432-G-A.
Other names: short protein forms C4570Y.
Identifiers: ClinVar variation 2880236 (VCV002880236.4), dbSNP rs2503891406, ClinGen allele CA391051411.
Genomic context (GRCh38, chr14:102,050,095, plus strand): 5'-TTCACCTCAGCCTGGGTTTTGGCTTCCGCCTCACAGGTTTGAAACTTCAAGGGGCCACGT[G>A]CAACAACAACAAGCTGTCACTGTCCAATGCCATCTCAACCGCCCTTCCCCTGACGCAGCT-3'
Protein context (NP_001367.2, residues 4560-4580): VTGLKLQGAT[Cys4570Tyr]NNNKLSLSNA

ClinVar aggregate classification (germline): Uncertain significance. Review status: criteria provided, multiple submitters, no conflicts (2 of 4 stars). 2 submissions from 2 submitters: Uncertain significance (2). Last evaluated 2023-04-01.

Conditions:
Charcot-Marie-Tooth disease axonal type 2O. Also called: CHARCOT-MARIE-TOOTH NEUROPATHY, AXONAL, TYPE 2O; CHARCOT-MARIE-TOOTH DISEASE, AXONAL, AUTOSOMAL DOMINANT, TYPE 2O; Charcot-Marie-Tooth Neuropathy Type 2O; Charcot-Marie-Tooth disease, axonal, type 20. Identifiers: Orphanet 284232, MedGen C3280220, MONDO:0013644, OMIM 614228.

Allele frequency attached by ClinVar (database versions not stated): gnomAD exomes below 0.00001.
gnomAD v4.1: 4 of 1,614,122 alleles (0.00025%); highest among the groups gnomAD compares: Non-Finnish European, 0.00034%; no homozygotes.

Submissions (2):

Labcorp Genetics (formerly Invitae), Labcorp
Classification: Uncertain significance for Charcot-Marie-Tooth disease axonal type 2O. Last evaluated: 2023-04-01. Review status: criteria provided, single submitter. Criteria: Invitae Variant Classification Sherloc (09022015). Collection method: clinical testing. Allele origin: germline.
Comment: Advanced modeling of protein sequence and biophysical properties (such as structural, functional, and spatial information, amino acid conservation, physicochemical variation, residue mobility, and thermodynamic stability) performed at Invitae indicates that this missense variant is not expected to disrupt DYNC1H1 protein function. This variant has not been reported in the literature in individuals affected with DYNC1H1-related conditions. This variant is not present in population databases (gnomAD no frequency). This sequence change replaces cysteine, which is neutral and slightly polar, with tyrosine, which is neutral and polar, at codon 4570 of the DYNC1H1 protein (p.Cys4570Tyr). In summary, the available evidence is currently insufficient to determine the role of this variant in disease. Therefore, it has been classified as a Variant of Uncertain Significance.

Blueprint Genetics
Classification: Uncertain significance. Last evaluated: 2022-11-02. Review status: criteria provided, single submitter. Criteria: ACMG Guidelines, 2015. Collection method: clinical testing. Allele origin: germline.